The following is an entry in ClinVar:

NM_005633.4(SOS1):c.1664A>C (p.Asp555Ala)

Gene: SOS1 (SOS Ras/Rac guanine nucleotide exchange factor 1; minus strand). Cytogenetic location: 2p22.1.
Variant type: single nucleotide variant.
Coding change: c.1664A>C on transcript NM_005633.4 (MANE Select); coding-DNA position 1664, A replaced by C.
Protein change: p.Asp555Ala; replaces aspartic acid 555 with alanine.
Molecular consequence: missense variant.
Genome position (GRCh38, 1-based): chr2:39,022,764, T>G on the plus strand (A>C on the coding strand, the complement: SOS1 is on the minus strand). VCF-style: chr2-39022764-T-G. GRCh37 (hg19) VCF-style: chr2-39249905-T-G.
Other names: c.1643A>C, p.Asp548Ala (NM_001382394.1); c.1664A>C, p.Asp555Ala (NM_001382395.1); short protein forms D548A, D555A.
Identifiers: ClinVar variation 1721218 (VCV001721218.5), dbSNP rs2529035296, ClinGen allele CA346365666.

ClinVar aggregate classification (germline): Uncertain significance (1 of 4 stars; one submission).

Conditions:
RASopathy. Also called: rasopathies; Noonan spectrum disorder. Identifiers: Orphanet 536391, MedGen C5555857, MONDO:0021060.

Submission:

Labcorp Genetics (formerly Invitae), Labcorp
Classification: Uncertain significance for RASopathy. Last evaluated: 2023-07-17. Review status: criteria provided, single submitter. Criteria: Invitae Variant Classification Sherloc (09022015). Collection method: clinical testing. Allele origin: germline.
Comment: In summary, the available evidence is currently insufficient to determine the role of this variant in disease. Therefore, it has been classified as a Variant of Uncertain Significance. Advanced modeling of protein sequence and biophysical properties (such as structural, functional, and spatial information, amino acid conservation, physicochemical variation, residue mobility, and thermodynamic stability) performed at Invitae indicates that this missense variant is expected to disrupt SOS1 protein function. ClinVar contains an entry for this variant (Variation ID: 1721218). This variant has not been reported in the literature in individuals affected with SOS1-related conditions. This variant is not present in population databases (gnomAD no frequency). This sequence change replaces aspartic acid, which is acidic and polar, with alanine, which is neutral and non-polar, at codon 555 of the SOS1 protein (p.Asp555Ala).